The following is an entry in ClinVar:

NM_000257.4(MYH7):c.2466G>A (p.Met822Ile)

Genes: MYH7 (myosin heavy chain 7; minus strand), LOC126861898 (BRD4-independent group 4 enhancer GRCh37_chr14:23893609-23894808; plus strand). Cytogenetic location: 14q11.2.
Variant type: single nucleotide variant.
Coding change: c.2466G>A on transcript NM_000257.4 (MANE Select); coding-DNA position 2466, G replaced by A.
Protein change: p.Met822Ile; replaces methionine 822 with isoleucine.
Molecular consequence: missense variant.
Genome position (GRCh38, 1-based): chr14:23,424,982, C>T on the plus strand (G>A on the coding strand, the complement: MYH7 is on the minus strand). VCF-style: chr14-23424982-C-T. GRCh37 (hg19) VCF-style: chr14-23894191-C-T.
Other names: short protein forms M822I.
Identifiers: ClinVar variation 1211724 (VCV001211724.13), dbSNP rs2138666198, ClinGen allele CA389048355.

ClinVar aggregate classification (germline): Conflicting classifications of pathogenicity. Review status: criteria provided, conflicting classifications (1 of 4 stars). 4 submissions from 4 submitters: Likely pathogenic (3); Uncertain significance (1). Last evaluated 2026-08-24.

Conditions:
Cardiovascular phenotype. Identifiers: MedGen CN230736.
Hypertrophic cardiomyopathy. Also called: HYPERTROPHIC MYOCARDIOPATHY. Identifiers: Orphanet 217569, MedGen C0007194, MeSH D002312, MONDO:0005045, HP:0001639.
MYH7-related disorder. Also called: MYH7-related disorders; MYH7-related condition; MYH7-related disease.

Submissions (4):

GeneDx
Classification: Likely pathogenic. Last evaluated: 2026-08-24. Review status: criteria provided, single submitter. Criteria: GeneDx Variant Classification Process June 2021. Collection method: clinical testing. Allele origin: germline.
Comment: Not observed at significant frequency in large population cohorts (gnomAD); In silico analysis supports that this missense variant has a deleterious effect on protein structure/function; Identified in patients with cardiomyopathy referred for genetic testing at GeneDx and in published literature (PMID: 37652022); This variant is associated with the following publications: (PMID: 27532257, 29300372, 37652022)

Ambry Genetics
Classification: Uncertain significance for Cardiovascular phenotype. Last evaluated: 2024-01-10. Review status: criteria provided, single submitter. Criteria: Ambry Variant Classification Scheme 2023. Collection method: clinical testing. Allele origin: germline.
Comment: The p.M822I variant (also known as c.2466G>A), located in coding exon 20 of the MYH7 gene, results from a G to A substitution at nucleotide position 2466. The methionine at codon 822 is replaced by isoleucine, an amino acid with highly similar properties. This amino acid position is highly conserved in available vertebrate species. In addition, this alteration is predicted to be deleterious by in silico analysis. Since supporting evidence is limited at this time, the clinical significance of this alteration remains unclear.

Labcorp Genetics (formerly Invitae), Labcorp
Classification: Likely pathogenic for Hypertrophic cardiomyopathy. Last evaluated: 2023-03-23. Review status: criteria provided, single submitter. Criteria: Invitae Variant Classification Sherloc (09022015). Collection method: clinical testing. Allele origin: germline.
Comment: In summary, the currently available evidence indicates that the variant is pathogenic, but additional data are needed to prove that conclusively. Therefore, this variant has been classified as Likely Pathogenic. This variant disrupts the p.Met822 amino acid residue in MYH7. Other variant(s) that disrupt this residue have been determined to be pathogenic (PMID: 12881443). This suggests that this residue is clinically significant, and that variants that disrupt this residue are likely to be disease-causing. Algorithms developed to predict the effect of sequence changes on RNA splicing suggest that this variant may disrupt the consensus splice site. Advanced modeling of protein sequence and biophysical properties (such as structural, functional, and spatial information, amino acid conservation, physicochemical variation, residue mobility, and thermodynamic stability) performed at Invitae indicates that this missense variant is expected to disrupt MYH7 protein function. ClinVar contains an entry for this variant (Variation ID: 1211724). This variant has not been reported in the literature in individuals affected with MYH7-related conditions. This variant is not present in population databases (gnomAD no frequency). This sequence change replaces methionine, which is neutral and non-polar, with isoleucine, which is neutral and non-polar, at codon 822 of the MYH7 protein (p.Met822Ile).

Blueprint Genetics
Classification: Likely pathogenic for MYH7-related disorders. Last evaluated: 2021-12-07. Review status: criteria provided, single submitter. Criteria: ACMG Guidelines, 2015. Collection method: clinical testing. Allele origin: germline. Affected: yes. Observed: 3 variant alleles.

Literature cited by the submitters: PubMed 12881443 (cited by Labcorp Genetics (formerly Invitae), Labcorp).